The following is an entry in ClinVar:

NM_005359.6(SMAD4):c.1326G>A (p.Gln442=)

Gene: SMAD4 (SMAD family member 4; plus strand). Cytogenetic location: 18q21.2.
Variant type: single nucleotide variant.
Coding change: c.1326G>A on transcript NM_005359.6 (MANE Select); coding-DNA position 1326, G replaced by A.
Protein change: p.Gln442=; no amino-acid change (glutamine 442 retained).
Molecular consequence: synonymous variant.
Genome position (GRCh38, 1-based): chr18:51,076,655, G>A. VCF-style: chr18-51076655-G-A. GRCh37 (hg19) VCF-style: chr18-48603025-G-A.
Identifiers: ClinVar variation 628731 (VCV000628731.6), dbSNP rs1568211178, ClinGen allele CA503873821.

ClinVar aggregate classification (germline): Benign/Likely benign. Review status: criteria provided, multiple submitters, no conflicts (2 of 4 stars). 3 submissions from 3 submitters: Benign (1); Likely benign (2). Last evaluated 2025-03-21.

Conditions:
Juvenile polyposis syndrome (JPS). Identifiers: Orphanet 2929, MedGen C0345893, MONDO:0017380, OMIM 174900.
Hereditary cancer-predisposing syndrome. Also called: Hereditary neoplastic syndrome; Neoplastic Syndromes, Hereditary; Tumor predisposition; Hereditary Cancer Syndrome. Identifiers: Orphanet 140162, MedGen C0027672, MeSH D009386, MONDO:0015356.
Juvenile polyposis/hereditary hemorrhagic telangiectasia syndrome (JPHT). Also called: Juvenile Polyposis Syndrome / Hereditary Hemorrhagic Telangiectasia (JPS/HHT); JP/HHT SYNDROME; JUVENILE POLYPOSIS WITH HEREDITARY HEMORRHAGIC TELANGIECTASIA; POLYPOSIS, GENERALIZED JUVENILE, WITH PULMONARY ARTERIOVENOUS MALFORMATION; TELANGIECTASIA, HEREDITARY HEMORRHAGIC, WITH JUVENILE POLYPOSIS COLI. Identifiers: Orphanet 2929, MedGen C1832942, MONDO:0008278, OMIM 175050.

Submissions (3):

Myriad Genetics, Inc.
Classification: Benign for Juvenile polyposis/hereditary hemorrhagic telangiectasia syndrome. Last evaluated: 2025-03-21. Review status: criteria provided, single submitter. Criteria: Myriad Autosomal Dominant, Autosomal Recessive and X-Linked Classification Criteria (2023). Collection method: clinical testing. Allele origin: unknown.
Comment: This variant is considered benign. This variant is a silent/synonymous amino acid change and it is not expected to impact splicing.

Labcorp Genetics (formerly Invitae), Labcorp
Classification: Likely benign for Juvenile polyposis syndrome. Last evaluated: 2023-12-21. Review status: criteria provided, single submitter. Criteria: Invitae Variant Classification Sherloc (09022015). Collection method: clinical testing. Allele origin: germline.

Color Diagnostics, LLC DBA Color Health
Classification: Likely benign for Hereditary cancer-predisposing syndrome. Last evaluated: 2018-07-19. Review status: criteria provided, single submitter. Criteria: ACMG Guidelines, 2015. Collection method: clinical testing. Allele origin: germline.